The following is an entry in ClinVar:

NM_024642.5(GALNT12):c.1667G>A (p.Ser556Asn)

Gene: GALNT12 (polypeptide N-acetylgalactosaminyltransferase 12; plus strand). Cytogenetic location: 9q22.33.
Variant type: single nucleotide variant.
Coding change: c.1667G>A on transcript NM_024642.5 (MANE Select); coding-DNA position 1667, G replaced by A.
Protein change: p.Ser556Asn; replaces serine 556 with asparagine.
Molecular consequence: missense variant.
Genome position (GRCh38, 1-based): chr9:98,849,013, G>A. VCF-style: chr9-98849013-G-A. GRCh37 (hg19) VCF-style: chr9-101611295-G-A.
Other names: short protein forms S556N.
Identifiers: ClinVar variation 1777592 (VCV001777592.3), dbSNP rs774534357, ClinGen allele CA5154340.
Genomic context (GRCh38, chr9:98,849,013, plus strand): 5'-ATGGATCTTTATTTCACGAACAGTCCAAGAAATGTGTCCAGGCTGCGAGGAAGGAGTCGA[G>A]TGACAGTTTCGTTCCACTCTTACGAGACTGCACCAACTCGGATCATCAGAAATGGTTCTT-3'
Protein context (NP_078918.3, residues 546-566): KCVQAARKES[Ser556Asn]DSFVPLLRDC

ClinVar aggregate classification (germline): Uncertain significance (1 of 4 stars; one submission).

Allele frequency attached by ClinVar (database versions not stated): gnomAD exomes below 0.00001; TOPMed below 0.00001; ExAC 0.00001; gnomAD 0.00001.

Submission:

Ambry Genetics
Classification: Uncertain significance. Last evaluated: 2024-06-30. Review status: criteria provided, single submitter. Criteria: Ambry Variant Classification Scheme 2023. Collection method: clinical testing. Allele origin: germline.
Comment: The p.S556N variant (also known as c.1667G>A), located in coding exon 10 of the GALNT12 gene, results from a G to A substitution at nucleotide position 1667. The serine at codon 556 is replaced by asparagine, an amino acid with highly similar properties. This amino acid position is conserved. In addition, this alteration is predicted to be tolerated by in silico analysis. Since supporting evidence is limited at this time, the clinical significance of this alteration remains unclear.